The following is an entry in ClinVar:

ClinVar aggregate classification (germline): Uncertain significance (1 of 4 stars; one submission).

Conditions:
Hereditary hemochromatosis (HFE). Identifiers: MedGen C0392514, MONDO:0006507. Disease mechanism: loss of function.

gnomAD v4.1: 14 of 1,613,442 alleles (0.00087%); highest among the groups gnomAD compares: African/African-American, 0.0013%; no homozygotes.

Submission:

Labcorp Genetics (formerly Invitae), Labcorp
Classification: Uncertain significance for Hereditary hemochromatosis. Last evaluated: 2021-08-12. Review status: criteria provided, single submitter. Criteria: Invitae Variant Classification Sherloc (09022015). Collection method: clinical testing. Allele origin: germline.
Comment: This sequence change creates a premature translational stop signal (p.Arg59*) in the HAMP gene. While this is not anticipated to result in nonsense mediated decay, it is expected to disrupt the last 26 amino acid(s) of the HAMP protein. This variant is not present in population databases (ExAC no frequency). This premature translational stop signal has been observed in individual(s) with clinical features of hemochromatosis (PMID: 26310624, 26799139). Algorithms developed to predict the effect of sequence changes on RNA splicing suggest that this variant may create or strengthen a splice site. This variant disrupts a region of the HAMP protein in which other variant(s) (p.Cys78Tyr) have been observed in individuals with HAMP-related conditions (PMID: 15099344). This suggests that this is a clinically significant region of the protein, and that variants that disrupt it are likely to be disease-causing. In summary, the available evidence is currently insufficient to determine the role of this variant in disease. Therefore, it has been classified as a Variant of Uncertain Significance.

Literature cited by the submitters: PubMed 26310624; PubMed 26799139; PubMed 15099344.

NM_021175.4(HAMP):c.175C>T (p.Arg59Ter)

Gene: HAMP (hepcidin antimicrobial peptide; plus strand). Cytogenetic location: 19q13.12.
Variant type: single nucleotide variant.
Coding change: c.175C>T on transcript NM_021175.4 (MANE Select); coding-DNA position 175, C replaced by T.
Protein change: p.Arg59Ter; replaces arginine 59 with a stop codon.
Molecular consequence: nonsense.
Genome position (GRCh38, 1-based): chr19:35,284,962, C>T. VCF-style: chr19-35284962-C-T. GRCh37 (hg19) VCF-style: chr19-35775865-C-T.
Other names: short protein forms R59*.
Identifiers: ClinVar variation 1411728 (VCV001411728.5), dbSNP rs779021719, ClinGen allele CA405301225.